The following is an entry in ClinVar:

NM_002299.4(LCT):c.653_654del (p.Ser218fs)

Gene: LCT (lactase; minus strand). Cytogenetic location: 2q21.3.
Variant type: Microsatellite.
Coding change: c.653_654del on transcript NM_002299.4 (MANE Select); coding-DNA positions 653 to 654, 2 bases deleted (CT; older notation c.653_654delCT).
Protein change: p.Ser218fs; shifts the reading frame from serine 218.
Molecular consequence: frameshift variant.
Genome position (GRCh38, 1-based): chr2:135,833,177-135,833,178, AG deleted on the plus strand (CT on the coding strand, the reverse complement: LCT is on the minus strand); deleting any 2 consecutive bases within chr2:135,833,177-135,833,182 gives the same sequence; the c. name uses the placement nearest the transcript's 3' end. VCF-style (leftmost placement, unchanged base first): chr2-135833176-CAG-C. GRCh37 (hg19) VCF-style: chr2-136590746-CAG-C.
Other names: short protein forms S218fs.
Identifiers: ClinVar variation 56393 (VCV000056393.2), dbSNP rs386833838, ClinGen allele CA144323.

ClinVar aggregate classification (germline): Likely pathogenic (0 of 4 stars; one submission).

Conditions:
Congenital lactase deficiency. Also called: ALACTASIA, CONGENITAL; DISACCHARIDE INTOLERANCE II. Identifiers: Orphanet 53690, MedGen C0268179, MONDO:0009115, OMIM 223000.

Submission:

Juha Muilu Group; Institute for Molecular Medicine Finland (FIMM)
Classification: Likely pathogenic for Congenital lactase deficiency. Review status: no assertion criteria provided. Collection method: not provided. Allele origin: unknown.
Comment: FinDis database variant: This variant was not found or characterized by our laboratory, data were collected from public sources: see reference
ClinVar note: Converted during submission from probable-pathogenic to Likely pathogenic.